The following is an entry in ClinVar:

ClinVar aggregate classification (germline): Uncertain significance (1 of 4 stars; one submission).

Allele frequency attached by ClinVar (database versions not stated): gnomAD exomes 0.00002; ExAC 0.00001; TOPMed 0.00002; gnomAD 0.00003.
gnomAD v4.1: 31 of 1,611,474 alleles (0.0019%); highest among the groups gnomAD compares: East Asian, 0.0022%; no homozygotes.

Submission:

Labcorp Genetics (formerly Invitae), Labcorp
Classification: Uncertain significance. Last evaluated: 2025-10-05. Review status: criteria provided, single submitter. Criteria: Invitae Variant Classification Sherloc (09022015). Collection method: clinical testing. Allele origin: germline.
Comment: This sequence change replaces arginine, which is basic and polar, with glutamine, which is neutral and polar, at codon 548 of the VAV1 protein (p.Arg548Gln). The frequency data for this variant in the population databases is considered unreliable, as metrics indicate poor data quality at this position in the gnomAD database. This variant has not been reported in the literature in individuals affected with VAV1-related conditions. ClinVar contains an entry for this variant (Variation ID: 3020384). An algorithm developed to predict the effect of missense changes on protein structure and function (PolyPhen-2) suggests that this variant is likely to be disruptive. In summary, the available evidence is currently insufficient to determine the role of this variant in disease. Therefore, it has been classified as a Variant of Uncertain Significance.

NM_005428.4(VAV1):c.1643G>A (p.Arg548Gln)

Gene: VAV1 (vav guanine nucleotide exchange factor 1; plus strand). Cytogenetic location: 19p13.3.
Variant type: single nucleotide variant.
Coding change: c.1643G>A on transcript NM_005428.4 (MANE Select); coding-DNA position 1643, G replaced by A.
Protein change: p.Arg548Gln; replaces arginine 548 with glutamine.
Molecular consequence: missense variant.
Genome position (GRCh38, 1-based): chr19:6,833,560, G>A. VCF-style: chr19-6833560-G-A. GRCh37 (hg19) VCF-style: chr19-6833571-G-A.
Other names: c.1643G>A, p.Arg548Gln (NM_001258206.2); c.1547G>A, p.Arg516Gln (NM_001258207.2); short protein forms R516Q, R548Q.
Identifiers: ClinVar variation 3020384 (VCV003020384.3), dbSNP rs773293298, ClinGen allele CA9132667.
Genomic context (GRCh38, chr19:6,833,560, plus strand): 5'-TCTTCTTTATGTGTTCCCTGCATCTCAGAGGTACCTTCTATCAGGGCTACCGCTGCCATC[G>A]GTGCCGGGCATCTGCACACAAGGAGTGTCTGGGGAGGGTCCCTCCATGTGGCCGACATGG-3'
Protein context (NP_005419.2, residues 538-558): GTFYQGYRCH[Arg548Gln]CRASAHKECL